The following is an entry in ClinVar:

ClinVar aggregate classification (germline): Benign. Review status: criteria provided, multiple submitters, no conflicts (2 of 4 stars). 3 submissions from 3 submitters: Benign (3). Last evaluated 2020-06-25.

Allele frequency attached by ClinVar (database versions not stated): gnomAD exomes 0.44073 and 0.46035; gnomAD 0.48359 and 0.48371; ESP Exome Variant Server 0.49255; ExAC 0.49343; TOPMed 0.49879; 1000 Genomes Project 0.52975; 1000 Genomes Project 30x 0.53482.
gnomAD v4.1: 689,041 of 1,548,676 alleles (44%); highest among the groups gnomAD compares: African/African-American, 62%; 155,798 homozygotes.

Submissions (3):

GeneDx
Classification: Benign. Last evaluated: 2020-06-25. Review status: criteria provided, single submitter. Criteria: GeneDx Variant Classification Process June 2021. Collection method: clinical testing. Allele origin: germline. Affected: yes.

Laboratory for Molecular Medicine, Mass General Brigham Personalized Medicine
Classification: Benign. Last evaluated: 2016-03-28. Review status: criteria provided, single submitter. Criteria: LMM Criteria. Collection method: clinical testing. Allele origin: germline.
Comment: Variant identified in a genome or exome case(s) and assessed due to predicted null impact of the variant or pathogenic assertions in the literature or databases. Disclaimer: This variant has not undergone full assessment. The following are preliminary notes: Frequency

Breakthrough Genomics
Classification: Benign. Review status: criteria provided, single submitter. Criteria: ACMG Guidelines, 2015. Collection method: not provided. Allele origin: germline. Inheritance: Unknown mechanism. Affected: yes.

NM_001367479.1(DNAH14):c.10458C>A (p.Asp3486Glu)

Gene: DNAH14 (dynein axonemal heavy chain 14; plus strand). Cytogenetic location: 1q42.12.
Variant type: single nucleotide variant.
Coding change: c.10458C>A on transcript NM_001367479.1 (MANE Select); coding-DNA position 10458, C replaced by A.
Protein change: p.Asp3486Glu; replaces aspartic acid 3486 with glutamic acid.
Molecular consequence: missense variant.
Genome position (GRCh38, 1-based): chr1:225,340,481, C>A. VCF-style: chr1-225340481-C-A. GRCh37 (hg19) VCF-style: chr1-225528183-C-A.
Other names: NM_001373.1:c.10179C>A; short protein forms D3486E.
Identifiers: ClinVar variation 402656 (VCV000402656.6), dbSNP rs3856145, ClinGen allele CA1416650.
Genomic context (GRCh38, chr1:225,340,481, plus strand): 5'-TGTTCTTTGAATAACTGGTGCCTTTCTCATGTTCAGGTTATACTTATCTACAGAAATAGA[C>A]AACCCCCATTTTCTTCCATCAGTTTATAACTTTGTTACTATGATCAACTTCACTGTAACA-3'
Protein context (NP_001354408.1, residues 3476-3496): NFRLYLSTEI[Asp3486Glu]NPHFLPSVYN